The following is an entry in ClinVar:

NM_006767.4(LZTR1):c.938G>A (p.Cys313Tyr)

Gene: LZTR1 (leucine zipper like post translational regulator 1; plus strand). Cytogenetic location: 22q11.21.
Variant type: single nucleotide variant.
Coding change: c.938G>A on transcript NM_006767.4 (MANE Select); coding-DNA position 938, G replaced by A.
Protein change: p.Cys313Tyr; replaces cysteine 313 with tyrosine.
Molecular consequence: missense variant.
Genome position (GRCh38, 1-based): chr22:20,991,774, G>A. VCF-style: chr22-20991774-G-A. GRCh37 (hg19) VCF-style: chr22-21346063-G-A.
Other names: short protein forms C313Y.
Identifiers: ClinVar variation 1766767 (VCV001766767.4), dbSNP rs1488541459, ClinGen allele CA410781483.

ClinVar aggregate classification (germline): Uncertain significance. Review status: criteria provided, multiple submitters, no conflicts (2 of 4 stars). 2 submissions from 2 submitters: Uncertain significance (2). Last evaluated 2025-03-16.

Conditions:
Noonan syndrome 10 (NS10). Identifiers: Orphanet 648, MedGen C4225280, MONDO:0014693, OMIM 616564.
Noonan syndrome 2 (NS2). Identifiers: Orphanet 648, MedGen C1854469, MONDO:0011531, OMIM 605275.
LZTR1-related schwannomatosis. Also called: Schwannomatosis 2; Schwannomatosis-2, susceptibility to. Identifiers: Orphanet 93921, MedGen C3810283, MONDO:0014299, OMIM 615670.
Cardiovascular phenotype. Identifiers: MedGen CN230736.
Hereditary cancer-predisposing syndrome. Also called: Hereditary Cancer Syndrome; Hereditary neoplastic syndrome; Neoplastic Syndromes, Hereditary; Tumor predisposition. Identifiers: Orphanet 140162, MedGen C0027672, MeSH D009386, MONDO:0015356.

gnomAD v4.1: 1 of 1,555,096 alleles (0.000064%); highest among the groups gnomAD compares: Non-Finnish European, 0.000087%; no homozygotes.

Submissions (2):

Ambry Genetics
Classification: Uncertain significance for Cardiovascular phenotype; Hereditary cancer-predisposing syndrome. Last evaluated: 2025-03-16. Review status: criteria provided, single submitter. Criteria: Ambry Variant Classification Scheme 2023. Collection method: clinical testing. Allele origin: germline.
Comment: The p.C313Y variant (also known as c.938G>A), located in coding exon 9 of the LZTR1 gene, results from a G to A substitution at nucleotide position 938. The cysteine at codon 313 is replaced by tyrosine, an amino acid with highly dissimilar properties. This amino acid position is highly conserved in available vertebrate species. In addition, this alteration is predicted to be deleterious by in silico analysis. Since supporting evidence is limited at this time, the clinical significance of this alteration remains unclear.

Fulgent Genetics
Classification: Uncertain significance for Noonan syndrome 2; LZTR1-related schwannomatosis; Noonan syndrome 10. Last evaluated: 2024-05-22. Review status: criteria provided, single submitter. Criteria: ACMG Guidelines, 2015. Collection method: clinical testing. Allele origin: germline.